The following is an entry in ClinVar:

NM_001844.5(COL2A1):c.3663C>T (p.Ser1221=)

Gene: COL2A1 (collagen type II alpha 1 chain; minus strand). Cytogenetic location: 12q13.11.
Variant type: single nucleotide variant.
Coding change: c.3663C>T on transcript NM_001844.5 (MANE Select); coding-DNA position 3663, C replaced by T.
Protein change: p.Ser1221=; no amino-acid change (serine 1221 retained).
Molecular consequence: synonymous variant.
Genome position (GRCh38, 1-based): chr12:47,975,540, G>A on the plus strand (C>T on the coding strand, the complement: COL2A1 is on the minus strand). VCF-style: chr12-47975540-G-A. GRCh37 (hg19) VCF-style: chr12-48369323-G-A.
Other names: c.3456C>T, p.Ser1152= (NM_033150.3).
Identifiers: ClinVar variation 883499 (VCV000883499.13), dbSNP rs2276459, ClinGen allele CA6534671.

ClinVar aggregate classification (germline): Conflicting classifications of pathogenicity. Review status: criteria provided, conflicting classifications (1 of 4 stars). 4 submissions from 3 submitters: Uncertain significance (1); Benign (2); Likely benign (1). Last evaluated 2025-10-03.

Conditions:
Type 2 collagenopathy. Identifiers: Orphanet 93421, MedGen C2931073, MONDO:0022800.
Stickler syndrome type 1 (STL1). Also called: COL2A1-Related Stickler Syndrome; STICKLER SYNDROME, MEMBRANOUS VITREOUS TYPE; STICKLER SYNDROME, VITREOUS TYPE 1; ARTHROOPHTHALMOPATHY, HEREDITARY PROGRESSIVE. Identifiers: Orphanet 828, Orphanet 90653, MedGen C2020284, MONDO:0007160, OMIM 108300.

Allele frequency attached by ClinVar (database versions not stated): gnomAD 0.00003 and 0.00007; gnomAD exomes 0.00007 and 0.00016; ExAC 0.00013; TOPMed 0.00013; 1000 Genomes Project 30x 0.00078; 1000 Genomes Project 0.00100.
gnomAD v4.1: 105 of 1,606,620 alleles (0.0065%); highest among the groups gnomAD compares: East Asian, 0.2%; no homozygotes.

Submissions (4):

Labcorp Genetics (formerly Invitae), Labcorp
Classification: Benign. Last evaluated: 2025-10-03. Review status: criteria provided, single submitter. Criteria: Invitae Variant Classification Sherloc (09022015). Collection method: clinical testing. Allele origin: germline.

Blueprint Genetics
Classification: Likely benign. Last evaluated: 2024-11-05. Review status: criteria provided, single submitter. Criteria: ACMG Guidelines, 2015. Collection method: clinical testing. Allele origin: germline.

Illumina Laboratory Services, Illumina
Classification: Uncertain significance for Stickler syndrome type 1. Last evaluated: 2018-01-12. Review status: criteria provided, single submitter. Criteria: ICSL Variant Classification Criteria 13 December 2019. Collection method: clinical testing. Allele origin: germline.

Illumina Laboratory Services, Illumina
Classification: Benign for Type II Collagenopathies. Last evaluated: 2018-01-12. Review status: criteria provided, single submitter. Criteria: ICSL Variant Classification Criteria 13 December 2019. Collection method: clinical testing. Allele origin: germline.
Comment: This variant was observed in the ICSL laboratory as part of a predisposition screen in an ostensibly healthy population. It had not been previously curated by ICSL or reported in the Human Gene Mutation Database (HGMD: prior to June 1st, 2018), and was therefore a candidate for classification through an automated scoring system. Utilizing variant allele frequency, disease prevalence and penetrance estimates, and inheritance mode, an automated score was calculated to assess if this variant is too frequent to cause the disease. Based on the score and internal cut-off values, a variant classified as benign is not then subjected to further curation. The score for this variant resulted in a classification of benign for this disease.